The following is an entry in ClinVar:

NM_001134407.3(GRIN2A):c.2434C>A (p.Leu812Met)

Gene: GRIN2A (glutamate ionotropic receptor NMDA type subunit 2A; minus strand). Cytogenetic location: 16p13.2.
Variant type: single nucleotide variant.
Coding change: c.2434C>A on transcript NM_001134407.3 (MANE Select); coding-DNA position 2434, C replaced by A.
Protein change: p.Leu812Met; replaces leucine 812 with methionine.
Molecular consequence: missense variant.
Genome position (GRCh38, 1-based): chr16:9,769,012, G>T on the plus strand (C>A on the coding strand, the complement: GRIN2A is on the minus strand). VCF-style: chr16-9769012-G-T. GRCh37 (hg19) VCF-style: chr16-9862869-G-T.
Other names: c.2434C>A, p.Leu812Met (NM_000833.5, NM_001134408.2); c.2434C>A (NM_000833.3); short protein forms L812M.
Identifiers: ClinVar variation 1325703 (VCV001325703.8), dbSNP rs752241086, ClinGen allele CA394710145.

ClinVar aggregate classification (germline): Pathogenic/Likely pathogenic. Review status: criteria provided, multiple submitters, no conflicts (2 of 4 stars). 2 submissions from 2 submitters: Pathogenic (1); Likely pathogenic (1). Last evaluated 2022-07-29.

Conditions:
Landau-Kleffner syndrome (FESD). Also called: EPILEPSY, FOCAL, WITH SPEECH DISORDER AND WITH OR WITHOUT MENTAL RETARDATION; APHASIA, ACQUIRED, WITH EPILEPSY. Identifiers: Orphanet 1945, Orphanet 725, Orphanet 98818, MedGen C0282512, MONDO:0009509, OMIM 245570.

Submissions (2):

GeneDx
Classification: Pathogenic. Last evaluated: 2022-07-29. Review status: criteria provided, single submitter. Criteria: GeneDx Variant Classification Process June 2021. Collection method: clinical testing. Allele origin: germline. Affected: yes.
Comment: Not observed at significant frequency in large population cohorts (gnomAD); In silico analysis supports that this missense variant does not alter protein structure/function; This variant is associated with the following publications: (PMID: 24504326, 26846157, 24839611)

Institute of Human Genetics, University of Leipzig Medical Center
Classification: Likely pathogenic for Landau-Kleffner syndrome. Last evaluated: 2019-01-01. Review status: criteria provided, single submitter. Criteria: ACMG Guidelines, 2015. Collection method: research. Allele origin: de novo. Affected: yes.

Literature cited by the submitters: PubMed 30544257 (cited by Institute of Human Genetics, University of Leipzig Medical Center).